The following is an entry in ClinVar:

NM_152381.6(XIRP2):c.2T>C (p.Met1Thr)

Gene: XIRP2 (xin actin binding repeat containing 2; plus strand). Cytogenetic location: 2q24.3.
Variant type: single nucleotide variant.
Coding change: c.2T>C on transcript NM_152381.6 (MANE Select); coding-DNA position 2, T replaced by C.
Protein change: p.Met1Thr; changes the start codon (methionine 1).
Molecular consequence: missense variant, initiator codon variant.
Genome position (GRCh38, 1-based): chr2:166,903,484, T>C. VCF-style: chr2-166903484-T-C. GRCh37 (hg19) VCF-style: chr2-167759994-T-C.
Other names: c.2T>C, p.Met1Thr (NM_001079810.4, NM_001199143.2); short protein forms M1T.
Identifiers: ClinVar variation 3039992 (VCV003039992.2), dbSNP rs117360413, ClinGen allele CA1946046.

ClinVar aggregate classification (germline): Likely benign (0 of 4 stars; one submission).

Conditions:
XIRP2-related disorder. Also called: XIRP2-related condition.

Allele frequency attached by ClinVar (database versions not stated): ESP Exome Variant Server 0.00008; gnomAD 0.00094; TOPMed 0.00114; ExAC 0.00169; 1000 Genomes Project 30x 0.00328; 1000 Genomes Project 0.00359.

Submission:

PreventionGenetics, part of Exact Sciences
Classification: Likely benign for XIRP2-related condition. Last evaluated: 2019-02-22. Review status: no assertion criteria provided. Collection method: clinical testing. Allele origin: germline.
Comment: This variant is classified as likely benign based on ACMG/AMP sequence variant interpretation guidelines (Richards et al. 2015 PMID: 25741868, with internal and published modifications).